The following is an entry in ClinVar:

ClinVar aggregate classification (germline): Uncertain significance (1 of 4 stars; one submission).

Conditions:
Tietz syndrome (TADS). Also called: TIETZ ALBINISM-DEAFNESS SYNDROME; ALBINISM-DEAFNESS OF TIETZ; HYPOPIGMENTATION/DEAFNESS OF TIETZ. Identifiers: Orphanet 42665, MedGen C0391816, MONDO:0007077, OMIM 103500.
Waardenburg syndrome type 2A (WS2A). Also called: WAARDENBURG SYNDROME WITHOUT DYSTOPIA CANTHORUM. Identifiers: Orphanet 3440, MedGen C1860339, MONDO:0008671, OMIM 193510.
Melanoma, cutaneous malignant, susceptibility to, 8. Also called: Cutaneous malignant melanoma 8; MELANOMA AND RENAL CELL CARCINOMA, SUSCEPTIBILITY TO. Identifiers: Orphanet 293822, MedGen C3152204, MONDO:0013759, OMIM 614456.

Allele frequency attached by ClinVar (database versions not stated): gnomAD exomes below 0.00001; TOPMed below 0.00001.
gnomAD v4.1: 1 of 1,614,186 alleles (0.000062%); highest among the groups gnomAD compares: Non-Finnish European, 0.000085%; no homozygotes.

Submission:

Labcorp Genetics (formerly Invitae), Labcorp
Classification: Uncertain significance for Melanoma, cutaneous malignant, susceptibility to, 8; Waardenburg syndrome type 2A; Tietz syndrome. Last evaluated: 2024-02-15. Review status: criteria provided, single submitter. Criteria: Invitae Variant Classification Sherloc (09022015). Collection method: clinical testing. Allele origin: germline.
Comment: This sequence change replaces serine, which is neutral and polar, with arginine, which is basic and polar, at codon 73 of the MITF protein (p.Ser73Arg). This variant is not present in population databases (gnomAD no frequency). This variant has not been reported in the literature in individuals affected with MITF-related conditions. ClinVar contains an entry for this variant (Variation ID: 1996799). Advanced modeling of protein sequence and biophysical properties (such as structural, functional, and spatial information, amino acid conservation, physicochemical variation, residue mobility, and thermodynamic stability) performed at Invitae indicates that this missense variant is expected to disrupt MITF protein function with a positive predictive value of 80%. In summary, the available evidence is currently insufficient to determine the role of this variant in disease. Therefore, it has been classified as a Variant of Uncertain Significance.

NM_001354604.2(MITF):c.540C>A (p.Ser180Arg)

Gene: MITF (melanocyte inducing transcription factor; plus strand). Cytogenetic location: 3p13.
Variant type: single nucleotide variant.
Coding change: c.540C>A on transcript NM_001354604.2 (MANE Select); coding-DNA position 540, C replaced by A.
Protein change: p.Ser180Arg; replaces serine 180 with arginine.
Molecular consequence: missense variant. On other transcripts: intron variant (1).
Genome position (GRCh38, 1-based): chr3:69,938,007, C>A. VCF-style: chr3-69938007-C-A. GRCh37 (hg19) VCF-style: chr3-69987158-C-A.
Other names: c.219C>A, p.Ser73Arg (NM_000248.4, NM_001184968.2, NM_198158.3); c.384C>A, p.Ser128Arg (NM_001184967.2, NM_001354608.2); c.537C>A, p.Ser179Arg (NM_001354605.2, NM_001354606.2, NM_006722.3); c.489C>A, p.Ser163Arg (NM_001354607.2); c.540C>A, p.Ser180Arg (NM_198159.3); c.492C>A, p.Ser164Arg (NM_198177.3); c.93+126C>A (NM_198178.3); short protein forms S179R, S163R, S73R, S128R, S164R, S180R.
Identifiers: ClinVar variation 1996799 (VCV001996799.4), dbSNP rs2065883995, ClinGen allele CA353560657.